The following is an entry in ClinVar:

NM_001001957.2(OR2W3):c.143T>C (p.Val48Ala)

Gene: OR2W3 (olfactory receptor family 2 subfamily W member 3; plus strand). Cytogenetic location: 1q44.
Variant type: single nucleotide variant.
Coding change: c.143T>C on transcript NM_001001957.2 (MANE Select); coding-DNA position 143, T replaced by C.
Protein change: p.Val48Ala; replaces valine 48 with alanine.
Molecular consequence: missense variant.
Genome position (GRCh38, 1-based): chr1:247,895,729, T>C. VCF-style: chr1-247895729-T-C. GRCh37 (hg19) VCF-style: chr1-248059031-T-C.
Other names: short protein forms V48A.
Identifiers: ClinVar variation 4772610 (VCV004772610.1).

ClinVar aggregate classification (germline): Uncertain significance (1 of 4 stars; one submission).

gnomAD v4.1: 7 of 1,613,858 alleles (0.00043%); highest among the groups gnomAD compares: African/African-American, 0.0067%; no homozygotes.

Submission:

Labcorp Genetics (formerly Invitae), Labcorp
Classification: Uncertain significance. Last evaluated: 2025-03-05. Review status: criteria provided, single submitter. Criteria: Invitae Variant Classification Sherloc (09022015). Collection method: clinical testing. Allele origin: germline.
Comment: This sequence change replaces valine, which is neutral and non-polar, with alanine, which is neutral and non-polar, at codon 48 of the OR2W3 protein (p.Val48Ala). This variant is present in population databases (rs554136387, gnomAD 0.02%). This variant has not been reported in the literature in individuals affected with OR2W3-related conditions. An algorithm developed to predict the effect of missense changes on protein structure and function (PolyPhen-2) suggests that this variant is likely to be tolerated. In summary, the available evidence is currently insufficient to determine the role of this variant in disease. Therefore, it has been classified as a Variant of Uncertain Significance.